The following is an entry in ClinVar:

NM_004260.4(RECQL4):c.634C>G (p.Leu212Val)

Gene: RECQL4 (RecQ like helicase 4; minus strand). Cytogenetic location: 8q24.3.
Variant type: single nucleotide variant.
Coding change: c.634C>G on transcript NM_004260.4 (MANE Select); coding-DNA position 634, C replaced by G.
Protein change: p.Leu212Val; replaces leucine 212 with valine.
Molecular consequence: missense variant.
Genome position (GRCh38, 1-based): chr8:144,516,485, G>C on the plus strand (C>G on the coding strand, the complement: RECQL4 is on the minus strand). VCF-style: chr8-144516485-G-C. GRCh37 (hg19) VCF-style: chr8-145741869-G-C.
Other names: short protein forms L212V.
Identifiers: ClinVar variation 649328 (VCV000649328.6), dbSNP rs377012693, ClinGen allele CA372689993.

ClinVar aggregate classification (germline): Uncertain significance. Review status: criteria provided, multiple submitters, no conflicts (2 of 4 stars). 2 submissions from 2 submitters: Uncertain significance (2). Last evaluated 2025-05-27.

Conditions:
Inborn genetic diseases. Identifiers: MedGen C0950123, MeSH D030342.
Baller-Gerold syndrome (BGS). Also called: CRANIOSYNOSTOSIS WITH RADIAL DEFECTS. Identifiers: Orphanet 1225, MedGen C0265308, MONDO:0009039, OMIM 218600.

Allele frequency attached by ClinVar (database versions not stated): TOPMed 0.00003.
gnomAD v4.1: 13 of 1,608,920 alleles (0.00081%); highest among the groups gnomAD compares: Non-Finnish European, 0.001%; no homozygotes.

Submissions (2):

Labcorp Genetics (formerly Invitae), Labcorp
Classification: Uncertain significance for Baller-Gerold syndrome. Last evaluated: 2025-05-27. Review status: criteria provided, single submitter. Criteria: Invitae Variant Classification Sherloc (09022015). Collection method: clinical testing. Allele origin: germline.
Comment: This sequence change replaces leucine, which is neutral and non-polar, with valine, which is neutral and non-polar, at codon 212 of the RECQL4 protein (p.Leu212Val). This variant is not present in population databases (gnomAD no frequency). This variant has not been reported in the literature in individuals affected with RECQL4-related conditions. ClinVar contains an entry for this variant (Variation ID: 649328). Invitae Evidence Modeling of protein sequence and biophysical properties (such as structural, functional, and spatial information, amino acid conservation, physicochemical variation, residue mobility, and thermodynamic stability) indicates that this missense variant is not expected to disrupt RECQL4 protein function with a negative predictive value of 80%. In summary, the available evidence is currently insufficient to determine the role of this variant in disease. Therefore, it has been classified as a Variant of Uncertain Significance.

Ambry Genetics
Classification: Uncertain significance for Inborn genetic diseases. Last evaluated: 2025-01-06. Review status: criteria provided, single submitter. Criteria: Ambry Variant Classification Scheme 2023. Collection method: clinical testing. Allele origin: germline.
Comment: The p.L212V variant (also known as c.634C>G), located in coding exon 5 of the RECQL4 gene, results from a C to G substitution at nucleotide position 634. The leucine at codon 212 is replaced by valine, an amino acid with highly similar properties. This amino acid position is conserved. In addition, this alteration is predicted to be tolerated by in silico analysis. Based on the available evidence, the clinical significance of this variant remains unclear.